The following is an entry in ClinVar:

NM_000222.3(KIT):c.1704_1715del (p.Val569_Asp572del)

Gene: KIT (KIT proto-oncogene, receptor tyrosine kinase; plus strand). Cytogenetic location: 4q12.
Variant type: Deletion.
Coding change: c.1704_1715del on transcript NM_000222.3 (MANE Select); coding-DNA positions 1704 to 1715, 12 bases deleted (TGTTTACATAGA).
Protein change: p.Val569_Asp572del.
Molecular consequence: inframe deletion.
Genome position (GRCh38, 1-based): chr4:54,727,472-54,727,483, TGTTTACATAGA deleted; deleting any 12 consecutive bases within chr4:54,727,471-54,727,483 gives the same sequence; the c. name uses the placement nearest the transcript's 3' end. VCF-style (leftmost placement, unchanged base first): chr4-54727470-TATGTTTACATAG-T. GRCh37 (hg19) VCF-style: chr4-55593636-TATGTTTACATAG-T.
Other names: c.1692_1703del, p.Val565_Asp568del (NM_001093772.2, NM_001385286.1); c.1707_1718del, p.Val570_Asp573del (NM_001385284.1, NM_001385290.1); c.1704_1715del, p.Val569_Asp572del (NM_001385285.1); c.1695_1706del, p.Val566_Asp569del (NM_001385288.1, NM_001385292.1).
Identifiers: ClinVar variation 2057246 (VCV002057246.4), dbSNP rs2475545051, ClinGen allele CA2580071162.

ClinVar aggregate classification (germline): Uncertain significance (1 of 4 stars; one submission).

Conditions:
Gastrointestinal stromal tumor. Also called: Gastrointestinal stroma tumor; Gastrointestinal stromal tumor, somatic. Identifiers: Orphanet 44890, MedGen C0238198, MeSH D046152, MONDO:0011719, OMIM 606764, HP:0100723.

Submission:

Labcorp Genetics (formerly Invitae), Labcorp
Classification: Uncertain significance for Gastrointestinal stromal tumor. Last evaluated: 2022-01-13. Review status: criteria provided, single submitter. Criteria: Invitae Variant Classification Sherloc (09022015). Collection method: clinical testing. Allele origin: germline.
Comment: This variant has not been reported in the literature in individuals affected with KIT-related conditions. This variant is not present in population databases (gnomAD no frequency). This variant, c.1704_1715del, results in the deletion of 4 amino acid(s) of the KIT protein (p.Val569_Asp572del), but otherwise preserves the integrity of the reading frame. Experimental studies and prediction algorithms are not available or were not evaluated, and the functional significance of this variant is currently unknown. In summary, the available evidence is currently insufficient to determine the role of this variant in disease. Therefore, it has been classified as a Variant of Uncertain Significance.